The following is an entry in ClinVar:

NM_000049.4(ASPA):c.224T>C (p.Leu75Pro)

Genes: ASPA (aspartoacylase; plus strand), SPATA22 (spermatogenesis associated 22; minus strand). Cytogenetic location: 17p13.2.
Variant type: single nucleotide variant.
Coding change: c.224T>C on transcript NM_000049.4 (MANE Select); coding-DNA position 224, T replaced by C.
Protein change: p.Leu75Pro; replaces leucine 75 with proline.
Molecular consequence: missense variant. On other transcripts: intron variant (2).
Genome position (GRCh38, 1-based): chr17:3,476,383, T>C. VCF-style: chr17-3476383-T-C. GRCh37 (hg19) VCF-style: chr17-3379677-T-C.
Other names: c.224T>C, p.Leu75Pro (NM_001128085.1); c.-73-6985A>G (NM_001321336.2, NM_001321337.2); short protein forms L75P.
Identifiers: ClinVar variation 1377025 (VCV001377025.7), dbSNP rs2150741914, ClinGen allele CA397681617.

ClinVar aggregate classification (germline): Uncertain significance (1 of 4 stars; one submission).

Conditions:
Spongy degeneration of central nervous system. Also called: ACY2 DEFICIENCY; AMINOACYLASE 2 DEFICIENCY; ASP DEFICIENCY; ASPA DEFICIENCY; ASPARTOACYLASE DEFICIENCY; CANAVAN-VAN BOGAERT-BERTRAND DISEASE. Identifiers: Orphanet 141, MedGen C0206307, MONDO:0010079, OMIM 271900.

Submission:

Labcorp Genetics (formerly Invitae), Labcorp
Classification: Uncertain significance for Spongy degeneration of central nervous system. Last evaluated: 2022-07-11. Review status: criteria provided, single submitter. Criteria: Invitae Variant Classification Sherloc (09022015). Collection method: clinical testing. Allele origin: germline.
Comment: Advanced modeling of protein sequence and biophysical properties (such as structural, functional, and spatial information, amino acid conservation, physicochemical variation, residue mobility, and thermodynamic stability) performed at Invitae indicates that this missense variant is not expected to disrupt ASPA protein function. In summary, the available evidence is currently insufficient to determine the role of this variant in disease. Therefore, it has been classified as a Variant of Uncertain Significance. ClinVar contains an entry for this variant (Variation ID: 1377025). This variant has not been reported in the literature in individuals affected with ASPA-related conditions. This variant is not present in population databases (gnomAD no frequency). This sequence change replaces leucine, which is neutral and non-polar, with proline, which is neutral and non-polar, at codon 75 of the ASPA protein (p.Leu75Pro).